The following is an entry in ClinVar:

NM_014269.4(ADAM29):c.2271C>T (p.Ser757=)

Gene: ADAM29 (ADAM metallopeptidase domain 29; plus strand). Cytogenetic location: 4q34.1.
Variant type: single nucleotide variant.
Coding change: c.2271C>T on transcript NM_014269.4 (MANE Select); coding-DNA position 2271, C replaced by T.
Protein change: p.Ser757=; no amino-acid change (serine 757 retained).
Molecular consequence: synonymous variant.
Genome position (GRCh38, 1-based): chr4:174,977,796, C>T. VCF-style: chr4-174977796-C-T. GRCh37 (hg19) VCF-style: chr4-175898947-C-T.
Other names: c.2271C>T, p.Ser757= (NM_001130703.1, NM_001130704.1, NM_001130705.1 and 4 more transcripts).
Identifiers: ClinVar variation 2655191 (VCV002655191.24), dbSNP rs146283611, ClinGen allele CA3143299.
Genomic context (GRCh38, chr4:174,977,796, plus strand): 5'-GCCTTCCCAGAGTCAACCTCCTGTGACGCCTTCCCAGAGTCATCCTCAGGTGATGCCTTC[C>T]CAGAGTCAACCTCCTGTGACACCCTCCCAGAGTCAACCTCGGGTGATGCCTTCTCAGAGT-3'
Protein context (NP_055084.3, residues 747-767): PSQSHPQVMP[Ser757=]QSQPPVTPSQ

ClinVar aggregate classification (germline): Likely benign (1 of 4 stars; one submission).

Allele frequency attached by ClinVar (database versions not stated): ExAC 0.00010; ESP Exome Variant Server 0.00069; gnomAD exomes 0.00083; 1000 Genomes Project 30x 0.00187.

Submission:

CeGaT Center for Human Genetics Tuebingen
Classification: Likely benign. Last evaluated: 2025-07-01. Review status: criteria provided, single submitter. Criteria: CeGaT Center For Human Genetics Tuebingen Variant Classification Criteria Version 2. Collection method: clinical testing. Allele origin: germline. Affected: yes. Observed: 4 variant alleles.
Comment: ADAM29: BP4, BP7